The following is an entry in ClinVar:

NM_001355436.2(SPTB):c.543GTG[1] (p.Trp182del)

Gene: SPTB (spectrin beta, erythrocytic; minus strand). Cytogenetic location: 14q23.3.
Variant type: Microsatellite.
Coding change: c.543GTG[1] on transcript NM_001355436.2 (MANE Select); one copy of the 3-base unit GTG starting at c.543; the reference has two copies in a row; one copy, 3 bases deleted; also written c.546_548del.
Protein change: p.Trp182del; deletes tryptophan 182.
Molecular consequence: inframe deletion.
Genome position (GRCh38, 1-based): chr14:64,802,244-64,802,246, CAC deleted on the plus strand (GTG on the coding strand, the reverse complement: SPTB is on the minus strand); deleting any 3 consecutive bases within chr14:64,802,244-64,802,249 gives the same sequence; the position shown is the placement nearest the transcript's 3' end. VCF-style (leftmost placement, unchanged base first): chr14-64802243-ACAC-A. GRCh37 (hg19) VCF-style: chr14-65268961-ACAC-A.
Other names: c.543GTG[1], p.Trp182del (NM_001024858.4, NM_001355437.2); c.546_548del (NM_001355436.2); short protein forms W182del.
Identifiers: ClinVar variation 1351122 (VCV001351122.9), dbSNP rs2139632206, ClinGen allele CA2580613702.

ClinVar aggregate classification (germline): Uncertain significance. Review status: criteria provided, multiple submitters, no conflicts (2 of 4 stars). 2 submissions from 2 submitters: Uncertain significance (2). Last evaluated 2025-02-04.

Submissions (2):

Labcorp Genetics (formerly Invitae), Labcorp
Classification: Uncertain significance. Last evaluated: 2025-02-04. Review status: criteria provided, single submitter. Criteria: Invitae Variant Classification Sherloc (09022015). Collection method: clinical testing. Allele origin: germline.
Comment: This variant, c.546_548del, results in the deletion of 1 amino acid(s) of the SPTB protein (p.Trp182del), but otherwise preserves the integrity of the reading frame. This variant is not present in population databases (gnomAD no frequency). This variant has not been reported in the literature in individuals affected with SPTB-related conditions. Experimental studies and prediction algorithms are not available or were not evaluated, and the functional significance of this variant is currently unknown. In summary, the available evidence is currently insufficient to determine the role of this variant in disease. Therefore, it has been classified as a Variant of Uncertain Significance.

Revvity Omics, Revvity
Classification: Uncertain significance. Last evaluated: 2025-01-05. Review status: criteria provided, single submitter. Criteria: ACMG Guidelines, 2015. Collection method: clinical testing. Allele origin: germline.